The following is an entry in ClinVar:

ClinVar aggregate classification (germline): Uncertain significance. Review status: criteria provided, multiple submitters, no conflicts (2 of 4 stars). 2 submissions from 2 submitters: Uncertain significance (2). Last evaluated 2025-10-23.

Conditions:
Inborn genetic diseases. Identifiers: MedGen C0950123, MeSH D030342.

gnomAD v4.1: 20 of 1,613,812 alleles (0.0012%); highest among the groups gnomAD compares: African/African-American, 0.027%; no homozygotes.

Submissions (2):

Ambry Genetics
Classification: Uncertain significance for Inborn genetic diseases. Last evaluated: 2025-10-23. Review status: criteria provided, single submitter. Criteria: Ambry Variant Classification Scheme 2023. Collection method: clinical testing. Allele origin: germline.

Labcorp Genetics (formerly Invitae), Labcorp
Classification: Uncertain significance. Last evaluated: 2025-07-23. Review status: criteria provided, single submitter. Criteria: Invitae Variant Classification Sherloc (09022015). Collection method: clinical testing. Allele origin: germline.
Comment: This sequence change replaces asparagine, which is neutral and polar, with threonine, which is neutral and polar, at codon 90 of the FOCAD protein (p.Asn90Thr). This variant is present in population databases (rs757992816, gnomAD 0.02%). This variant has not been reported in the literature in individuals affected with FOCAD-related conditions. Experimental studies and prediction algorithms are not available or were not evaluated, and the functional significance of this variant is currently unknown. In summary, the available evidence is currently insufficient to determine the role of this variant in disease. Therefore, it has been classified as a Variant of Uncertain Significance.

NM_001375567.1(FOCAD):c.269A>C (p.Asn90Thr)

Gene: FOCAD (focadhesin; plus strand). Cytogenetic location: 9p21.3.
Variant type: single nucleotide variant.
Coding change: c.269A>C on transcript NM_001375567.1 (MANE Select); coding-DNA position 269, A replaced by C.
Protein change: p.Asn90Thr; replaces asparagine 90 with threonine.
Molecular consequence: missense variant.
Genome position (GRCh38, 1-based): chr9:20,720,516, A>C. VCF-style: chr9-20720516-A-C. GRCh37 (hg19) VCF-style: chr9-20720515-A-C.
Other names: c.269A>C, p.Asn90Thr (NM_001375568.1, NM_001375570.1, NM_017794.5); short protein forms N90T.
Identifiers: ClinVar variation 4620164 (VCV004620164.2).